The following is an entry in ClinVar:

NM_000061.3(BTK):c.82C>T (p.Arg28Cys)

Gene: BTK (Bruton tyrosine kinase; minus strand). Cytogenetic location: Xq22.1.
Variant type: single nucleotide variant.
Coding change: c.82C>T on transcript NM_000061.3 (MANE Select); coding-DNA position 82, C replaced by T.
Protein change: p.Arg28Cys; replaces arginine 28 with cysteine.
Molecular consequence: missense variant.
Genome position (GRCh38, 1-based): chrX:101,375,203, G>A on the plus strand (C>T on the coding strand, the complement: BTK is on the minus strand). VCF-style: chrX-101375203-G-A. GRCh37 (hg19) VCF-style: chrX-100630191-G-A.
Other names: c.184C>T, p.Arg62Cys (NM_001287344.2); c.82C>T, p.Arg28Cys (NM_001287345.2); short protein forms R28C, R62C.
Identifiers: ClinVar variation 946996 (VCV000946996.13), dbSNP rs1927168815, ClinGen allele CA413939518.
Genomic context (GRCh38, chrX:101,375,203, plus strand): 5'-CCCCACGTTCAAAGTCATACTCATAGTAGGAGAGTTTGTGCACGGTCAAGAGAAACAGGC[G>A]CTTCTTGAAGTTTAGAGGTGATGTTTTCTTTTTCTGTTGGGATCGCTTCAGAAAGATGCT-3'
Protein context (NP_000052.1, residues 18-38): KKTSPLNFKK[Arg28Cys]LFLLTVHKLS

ClinVar aggregate classification (germline): Pathogenic. Review status: criteria provided, multiple submitters, no conflicts (2 of 4 stars). 4 submissions from 4 submitters: Pathogenic (4). Last evaluated 2025-12-22.

Conditions:
X-linked agammaglobulinemia (XLA). Also called: IMMUNODEFICIENCY 1; Agammaglobulinemia, Bruton tyrosine kinase; Agammaglobulinemia, BTK; BTK-deficiency; Bruton's agammaglobulinemia; AGAMMAGLOBULINEMIA, X-LINKED, TYPE 1. Identifiers: Orphanet 229717, Orphanet 47, MedGen C0221026, MONDO:0010421, OMIM 300755.
X-linked agammaglobulinemia with growth hormone deficiency (IGHD3). Also called: FLEISHER SYNDROME; HYPOGAMMAGLOBULINEMIA AND ISOLATED GROWTH HORMONE DEFICIENCY, X-LINKED; IGHD III; ISOLATED GROWTH HORMONE DEFICIENCY, TYPE III, WITH AGAMMAGLOBULINEMIA; Isolated growth hormone deficiency type 3; Growth hormone deficiency with hypogammaglobulinemia. Identifiers: Orphanet 231692, Orphanet 631, MedGen C0472813, MONDO:0010615, OMIM 307200.

Submissions (4):

Labcorp Genetics (formerly Invitae), Labcorp
Classification: Pathogenic for X-linked agammaglobulinemia with growth hormone deficiency. Last evaluated: 2025-12-22. Review status: criteria provided, single submitter. Criteria: Invitae Variant Classification Sherloc (09022015). Collection method: clinical testing. Allele origin: germline.
Comment: This sequence change replaces arginine, which is basic and polar, with cysteine, which is neutral and slightly polar, at codon 28 of the BTK protein (p.Arg28Cys). This variant is not present in population databases (gnomAD no frequency). This missense change has been observed in individuals with X-linked agammaglobulinemia (PMID: 9545398, 19904586, 30311057). ClinVar contains an entry for this variant (Variation ID: 946996). Invitae Evidence Modeling of protein sequence and biophysical properties (such as structural, functional, and spatial information, amino acid conservation, physicochemical variation, residue mobility, and thermodynamic stability) indicates that this missense variant is expected to disrupt BTK protein function with a positive predictive value of 95%. Experimental studies have shown that this missense change affects BTK function (PMID: 3486747, 8332900, 8332901, 10373551). This variant disrupts the p.Arg28 amino acid residue in BTK. Other variant(s) that disrupt this residue have been determined to be pathogenic (PMID: 8162018, 18518992, 19904586, 30290665). This suggests that this residue is clinically significant, and that variants that disrupt this residue are likely to be disease-causing. For these reasons, this variant has been classified as Pathogenic.

Department of Pediatrics and Child Health, Lancet General Hospital
Classification: Pathogenic for X-linked agammaglobulinemia. Last evaluated: 2025-05-23. Review status: criteria provided, single submitter. Criteria: ACMG Guidelines, 2015. Collection method: provider interpretation. Allele origin: germline. Inheritance: X-linked recessive inheritance. Affected: yes. Observed: 1 variant allele, 1 hemizygote.
Comment: BTK(NM_000061.3):c.82C>T (p.Arg28Cys) is a pathogenic variant associated with X-linked Agammaglobulinemia 1. The substitution of a cytosine for a thymine at coding position 82 results in the replacement of an arginine to a cysteine at residue 28 of the protein. This variant has been reported in the hemizygous state in multiple unrelated individuals with X-linked agammaglobulinemia (PMID: 1880652, 19039656, 19904586, 30311057, 29921932, 30697212, 33224144, 33377626, 35482138, 32888943). In vitro and in vivo functional studies also showed that the p.Arg28Cys variant results in a diminished ability to phosphorylate TFII-I and a reduction of BTK protein expression by making it less stable (PMID: 8332901, 8332900, 10373551, 19904586). Additionally, a spontaneous model of mice of this variant generates X-linked immunodeficiency, showing a relatively mild defect in B cell development (PMID: 8332901, 8332900). This variant is absent from large control population databases (gnomAD; dbSNP rs1927168815), and is present in ClinVar, classified as a pathogenic variant according to 3 submitters(ID: 946996). This variant is located in a mutational hot-spot, where 2 different pathogenic variants have been described in the same residue: p.Arg28His and p.Arg28Leu; which are present in ClinVar, classified as pathogenic variants (ID: 11348 and 1075550, respectively). In summary, the p.Arg28Cys variant meets criteria (ACMG, PMID: 25741868) to be classified as pathogenic for X-linked Agammaglobulinemia 1.

Genomic Medicine Center of Excellence, King Faisal Specialist Hospital and Research Centre
Classification: Pathogenic for X-linked agammaglobulinemia. Last evaluated: 2024-03-14. Review status: criteria provided, single submitter. Criteria: ACMG Guidelines, 2015. Collection method: research. Allele origin: germline.

3billion
Classification: Pathogenic for X-linked agammaglobulinemia with growth hormone deficiency. Last evaluated: 2023-02-23. Review status: criteria provided, single submitter. Criteria: ACMG Guidelines, 2015. Collection method: clinical testing. Allele origin: unknown. Affected: yes.
Comment: The variant is not observed in the gnomAD v2.1.1 dataset. Missense changes are a common disease-causing mechanism. In silico tool predictions suggest damaging effect of the variant on gene or gene product (REVEL: 0.95; 3Cnet: 0.86). Same nucleotide change resulting in same amino acid change has been previously reported to be associated with BTK related disorder (ClinVar ID: VCV000946996 / PMID: 9545398). Therefore, this variant is classified as Pathogenic according to the recommendation of ACMG/AMP guideline.

Literature cited by the submitters: PubMed 9545398 (cited by Labcorp Genetics (formerly Invitae), Labcorp and 3billion); PubMed 19904586 (cited by Labcorp Genetics (formerly Invitae), Labcorp and Department of Pediatrics and Child Health, Lancet General Hospital); PubMed 30311057 (cited by 3 submitters); PubMed 3486747 (cited by Labcorp Genetics (formerly Invitae), Labcorp); PubMed 8332900 (cited by Labcorp Genetics (formerly Invitae), Labcorp); PubMed 8332901 (cited by Labcorp Genetics (formerly Invitae), Labcorp); PubMed 10373551 (cited by Labcorp Genetics (formerly Invitae), Labcorp); PubMed 8162018 (cited by Labcorp Genetics (formerly Invitae), Labcorp and 3billion); PubMed 18518992 (cited by Labcorp Genetics (formerly Invitae), Labcorp); PubMed 30290665 (cited by Labcorp Genetics (formerly Invitae), Labcorp); PubMed 1880652 (cited by Department of Pediatrics and Child Health, Lancet General Hospital); PubMed 19039656 (cited by Department of Pediatrics and Child Health, Lancet General Hospital); PubMed 29921932 (cited by Department of Pediatrics and Child Health, Lancet General Hospital and 3billion); PubMed 30697212 (cited by Department of Pediatrics and Child Health, Lancet General Hospital and 3billion); PubMed 33224144 (cited by Department of Pediatrics and Child Health, Lancet General Hospital and 3billion); PubMed 33377626 (cited by Department of Pediatrics and Child Health, Lancet General Hospital and 3billion); PubMed 35482138 (cited by Department of Pediatrics and Child Health, Lancet General Hospital); PubMed 32888943 (cited by Department of Pediatrics and Child Health, Lancet General Hospital and 3billion); PubMed 15024743 (cited by 3billion); PubMed 8695804 (cited by 3billion); PubMed 12204007 (cited by 3billion).